The following is an entry in ClinVar:

ClinVar aggregate classification (germline): Conflicting classifications of pathogenicity. Review status: criteria provided, conflicting classifications (1 of 4 stars). 16 submissions from 16 submitters: Uncertain significance (10); Likely benign (3). 3 of the submissions do not count toward it. Last evaluated 2026-01-07.

Conditions:
PALB2-related disorder. Also called: PALB2-related condition; PALB2-related disorders.
Breast-ovarian cancer, familial, susceptibility to, 5 (BROVCA5). Identifiers: MedGen C5830615, MONDO:0957530, OMIM 620442.
Familial cancer of breast. Also called: Hereditary breast cancer; hereditary breast carcinoma; BREAST CANCER, FAMILIAL. Identifiers: Orphanet 227535, MedGen C0346153, MONDO:0016419, OMIM 114480. Disease mechanism: loss of function.
Fanconi anemia complementation group N. Also called: PALB2-Related Fanconi Anemia. Identifiers: Orphanet 84, MedGen C1835817, MONDO:0012565, OMIM 610832. Disease mechanism: loss of function.
Pancreatic cancer, susceptibility to, 3. Identifiers: Orphanet 1333, MedGen C3150547, MONDO:0013236, OMIM 613348.
Hereditary cancer-predisposing syndrome. Also called: Tumor predisposition; Hereditary neoplastic syndrome; Hereditary Cancer Syndrome; Neoplastic Syndromes, Hereditary. Identifiers: Orphanet 140162, MedGen C0027672, MeSH D009386, MONDO:0015356.
Malignant tumor of breast. Also called: Cancer breast; Malignant breast neoplasm. Identifiers: MedGen C0006142, MONDO:0007254. Disease mechanism: loss of function.

Submissions 1 to 8 of 16:

Labcorp Genetics (formerly Invitae), Labcorp
Classification: Uncertain significance for Familial cancer of breast. Last evaluated: 2026-01-07. Review status: criteria provided, single submitter. Criteria: Invitae Variant Classification Sherloc (09022015). Collection method: clinical testing. Allele origin: germline.
Comment: This sequence change replaces leucine, which is neutral and non-polar, with histidine, which is basic and polar, at codon 278 of the PALB2 protein (p.Leu278His). This variant is present in population databases (rs587778582, gnomAD 0.006%). This missense change has been observed in individual(s) with breast cancer, ovarian cancer, and/or pancreatic cancer (PMID: 31159747, 33512806, 33558524, 36175305, 36605468). This suggests that this variant may not be disease-causing. ClinVar contains an entry for this variant (Variation ID: 134992). An algorithm developed to predict the effect of missense changes on protein structure and function (PolyPhen-2) suggests that this variant is likely to be disruptive. In summary, the available evidence is currently insufficient to determine the role of this variant in disease. Therefore, it has been classified as a Variant of Uncertain Significance.

Center for Genomic Medicine, Rigshospitalet, Copenhagen University Hospital
Classification: Likely benign. Last evaluated: 2025-12-29. Review status: criteria provided, single submitter. Criteria: ACMG Guidelines, 2015. Collection method: clinical testing. Allele origin: germline.

PreventionGenetics, part of Exact Sciences
Classification: Uncertain significance for PALB2-related condition. Last evaluated: 2025-12-12. Review status: criteria provided, single submitter. Criteria: ACMG Guidelines, 2015. Collection method: clinical testing. Allele origin: germline.
Comment: The PALB2 c.833_834delinsAT variant is predicted to result in an in-frame deletion and insertion. This variant has been reported in an individual undergoing hereditary cancer panel testing, an individual with breast cancer, and an individual with diffuse gastric cancer (Table S5, Tsaousis et al. 2019. PubMed ID: 31159747; Table 2, Moradian et al. 2021. PubMed ID: 33558524; Table 1, Carreño et al. 2020. PubMed ID: 33512806). This variant has not been reported in a large population database (gnomAD), indicating this variant is rare. It has conflicting interpretations of uncertain significance and likely benign in ClinVar. At this time, the clinical significance of this variant is uncertain due to the absence of conclusive functional and genetic evidence.

Quest Diagnostics Nichols Institute San Juan Capistrano
Classification: Uncertain significance. Last evaluated: 2025-09-22. Review status: criteria provided, single submitter. Criteria: Quest Diagnostics criteria. Collection method: clinical testing. Allele origin: unknown.
Comment: The PALB2 c.833_834delinsAT (p.Leu278His) variant has been reported in the published literature in individuals with a personal and/or family history of breast and/or ovarian cancer (PMID: 36605468 (2023), 33558524 (2021), 31159747 (2019)), and gastric cancer (PMID: 33512806 (2020)). It has also been observed in reportedly unaffected individuals (PMIDs: 36175305 (2022), 31422574 (2019), 24728327 (2014)). In a large scale breast cancer association study, this variant has been observed in breast cancer cases and reportedly unaffected individuals (PMID: 33471991 (2021), see also LOVD). The frequency of this variant in the general population (Genome Aggregation Database) is uninformative in the assessment of its pathogenicity. Analysis of this variant using bioinformatics tools for the prediction of the effect of amino acid changes on protein structure and function yielded conflicting predictions that this variant is benign or damaging. Based on the available information, we are unable to determine the clinical significance of this variant.

Color Diagnostics, LLC DBA Color Health
Classification: Uncertain significance for Hereditary cancer-predisposing syndrome. Last evaluated: 2025-03-31. Review status: criteria provided, single submitter. Criteria: ACMG Guidelines, 2015. Collection method: clinical testing. Allele origin: germline.
Comment: This variant causes a 2-basepair substitution that results in a single amino acid change, replacing leucine with histidine at codon 278 of the PALB2 protein. This variant can also be described as c.833_834inv. Computational prediction is inconclusive regarding the impact of this variant on protein structure and function. To our knowledge, functional studies have not been reported for this variant. This variant has been reported in two individuals affected with breast cancer (PMID: 33558524; DOI 10.7197/cmj.vi.623656), an individual affected with diffuse gastric cancer (PMID: 33512806) and an individual unaffected with cancer (PMID: 31422574). This variant also has been detected in a breast cancer case-control meta-analysis in 6/60466 cases and 3/53461 unaffected individuals (PMID: 33471991; Leiden Open Variation Database DB-ID PALB2_011118). This variant has been identified in 14/251426 chromosomes in the general population by the Genome Aggregation Database (gnomAD). The available evidence is insufficient to determine the role of this variant in disease conclusively. Therefore, this variant is classified as a Variant of Uncertain Significance.

CeGaT Center for Human Genetics Tuebingen
Classification: Uncertain significance. Last evaluated: 2024-08-01. Review status: criteria provided, single submitter. Criteria: CeGaT Center For Human Genetics Tuebingen Variant Classification Criteria Version 2. Collection method: clinical testing. Allele origin: germline. Affected: yes. Observed: 1 variant allele.

KCCC/NGS Laboratory, Kuwait Cancer Control Center
Classification: Uncertain significance for Breast-ovarian cancer, familial, susceptibility to, 5. Last evaluated: 2023-07-07. Review status: criteria provided, single submitter. Criteria: ACMG Guidelines, 2015. Collection method: clinical testing. Allele origin: unknown. Affected: yes.
Comment: The PALB2 gene sequence change deletes 2 nucleotides and inserts 2 nucleotides in exon 4 of the PALB2 mRNA (c.833_834delTAinsAT), replacing leucine with histidine at codon 278 of the PALB2 protein (p.Leu278His). The leucine residue is moderately conserved and there is a moderate physicochemical difference between leucine and histidine. This variant is reported as two separate single-nucleotide changes in population databases (c.833T>A, ExAC 0.04% and c.833A>T, ExAC 0.04%). This variant has not been reported in the literature in individuals with PALB2-related disease. ClinVar contains an entry for this variant (Variation ID: 134992). Algorithms developed to predict the effect of missense changes on protein structure and function do not agree on the potential impact of this missense change (SIFT: "Deleterious"; PolyPhen-2: "Possibly damaging"; Align-GVGD: "Class C0"). Therefore, it has been classified as a Variant of Uncertain Significance.

Women's Health and Genetics/Laboratory Corporation of America, LabCorp
Classification: Uncertain significance. Last evaluated: 2023-04-18. Review status: criteria provided, single submitter. Criteria: LabCorp Variant Classification Summary - May 2015. Collection method: clinical testing. Allele origin: germline.
Comment: Variant summary: PALB2 c.833_834delinsAT (p.Leu278His) is a multinucleotide variant combination of 16-23647033-T-A (synonymous variant, NM_024675.4(PALB2):c.834A>T, p.Leu278=) in phase with 16-23647034-A-T (missense variant, NM_024675.4(PALB2):c.833T>A, p.Leu278Gln) that when combined results in this non-conservative amino acid change in the encoded protein sequence. One of two in-silico tools predict a benign effect of the variant on protein function. The variant allele is estimated at a frequency of 5.6e-05 in 251426 control chromosomes based on an identical allele frequency of each individual component in the gnomAD database. This frequency is not significantly higher than estimated for a pathogenic variant in PALB2 causing Hereditary Breast And Ovarian Cancer Syndrome (5.6e-05 vs 0.00016), allowing no conclusion about variant significance. c.833_834delinsAT has been reported in the literature as a VUS in settings of multigene panel testing among individuals affected with Breast and/or Ovarian Cancer (example, Tsaousis_2019, Moradian_2021). These report(s) do not provide unequivocal conclusions about association of the variant with Hereditary Breast And Ovarian Cancer Syndrome. To our knowledge, no experimental evidence demonstrating an impact on protein function has been reported. Eight clinical diagnostic laboratories have submitted clinical-significance assessments for this variant to ClinVar after 2014 without evidence for independent evaluation (VUS, n=7; likely benign, n=1). Based on the evidence outlined above, the variant was classified as uncertain significance.

NM_024675.4(PALB2):c.833_834delinsAT (p.Leu278His)

Gene: PALB2 (partner and localizer of BRCA2; minus strand). Cytogenetic location: 16p12.2.
Variant type: Indel.
Coding change: c.833_834delinsAT on transcript NM_024675.4 (MANE Select); coding-DNA positions 833 to 834, TA replaced by AT.
Protein change: p.Leu278His; replaces leucine 278 with histidine.
Molecular consequence: missense variant.
Genome position (GRCh38, 1-based): chr16:23,635,712-23,635,713, TA replaced by AT on the plus strand (TA replaced by AT on the coding strand, the reverse complement: PALB2 is on the minus strand). VCF-style: chr16-23635712-TA-AT. GRCh37 (hg19) VCF-style: chr16-23647033-TA-AT.
Other names: c.833_834delTAinsAT (NM_024675.3); short protein forms L278H.
Identifiers: ClinVar variation 134992 (VCV000134992.60), dbSNP rs587778582, ClinGen allele CA161324.